The following is an entry in ClinVar:

ClinVar aggregate classification (germline): Conflicting classifications of pathogenicity. Review status: criteria provided, conflicting classifications (1 of 4 stars). 2 submissions from 2 submitters: Uncertain significance (1); Likely benign (1). Last evaluated 2024-08-29.

Conditions:
Curry-Hall syndrome (WAD). Also called: WEYERS ACRODENTAL DYSOSTOSIS. Identifiers: Orphanet 952, MedGen C0457013, MONDO:0008673, OMIM 193530.
Ellis-van Creveld syndrome (EVC). Also called: MESOECTODERMAL DYSPLASIA; Chondroectodermal dysplasia. Identifiers: Orphanet 289, MedGen C0013903, MONDO:0009162, OMIM 225500.

Allele frequency attached by ClinVar (database versions not stated): gnomAD exomes below 0.00001; gnomAD 0.00001.
gnomAD v4.1: 4 of 1,613,850 alleles (0.00025%); highest among the groups gnomAD compares: Non-Finnish European, 0.00025%; no homozygotes.

Submissions (2):

Labcorp Genetics (formerly Invitae), Labcorp
Classification: Uncertain significance for Curry-Hall syndrome; Ellis-van Creveld syndrome. Last evaluated: 2024-08-29. Review status: criteria provided, single submitter. Criteria: Invitae Variant Classification Sherloc (09022015). Collection method: clinical testing. Allele origin: germline.
Comment: This sequence change affects codon 1186 of the EVC2 mRNA. It is a 'silent' change, meaning that it does not change the encoded amino acid sequence of the EVC2 protein. It affects a nucleotide within the consensus splice site. This variant is present in population databases (no rsID available, gnomAD 0.007%). This variant has not been reported in the literature in individuals affected with EVC2-related conditions. ClinVar contains an entry for this variant (Variation ID: 2654609). Algorithms developed to predict the effect of sequence changes on RNA splicing suggest that this variant is not likely to affect RNA splicing. In summary, the available evidence is currently insufficient to determine the role of this variant in disease. Therefore, it has been classified as a Variant of Uncertain Significance.

CeGaT Center for Human Genetics Tuebingen
Classification: Likely benign. Last evaluated: 2022-10-01. Review status: criteria provided, single submitter. Criteria: CeGaT Center For Human Genetics Tuebingen Variant Classification Criteria Version 2. Collection method: clinical testing. Allele origin: germline. Affected: yes. Observed: 3 variant alleles.
Comment: EVC2: BP4, BP7

NM_147127.5(EVC2):c.3558G>A (p.Arg1186=)

Gene: EVC2 (EvC ciliary complex subunit 2; minus strand). Cytogenetic location: 4p16.2.
Variant type: single nucleotide variant.
Coding change: c.3558G>A on transcript NM_147127.5 (MANE Select); coding-DNA position 3558, G replaced by A.
Protein change: p.Arg1186=; no amino-acid change (arginine 1186 retained).
Molecular consequence: synonymous variant.
Genome position (GRCh38, 1-based): chr4:5,565,359, C>T on the plus strand (G>A on the coding strand, the complement: EVC2 is on the minus strand). VCF-style: chr4-5565359-C-T. GRCh37 (hg19) VCF-style: chr4-5567086-C-T.
Other names: c.3318G>A, p.Arg1106= (NM_001166136.2).
Identifiers: ClinVar variation 2654609 (VCV002654609.26), dbSNP rs1331241591, ClinGen allele CA438203186.